The following is an entry in ClinVar:

NM_015158.5(KANK1):c.1582G>A (p.Gly528Ser)

Gene: KANK1 (KN motif and ankyrin repeat domains 1; plus strand). Cytogenetic location: 9p24.3.
Variant type: single nucleotide variant.
Coding change: c.1582G>A on transcript NM_015158.5 (MANE Select); coding-DNA position 1582, G replaced by A.
Protein change: p.Gly528Ser; replaces glycine 528 with serine.
Molecular consequence: missense variant. On other transcripts: non-coding transcript variant (1).
Genome position (GRCh38, 1-based): chr9:712,348, G>A. VCF-style: chr9-712348-G-A. GRCh37 (hg19) VCF-style: chr9-712348-G-A.
Other names: c.1582G>A, p.Gly528Ser (NM_001256876.3, NM_001256877.3, NM_001354331.2 and 2 more transcripts); c.1108G>A, p.Gly370Ser (NM_001354333.2, NM_001354335.2, NM_001354336.2 and 9 more transcripts); c.1582G>A (NM_015158.2); short protein forms G370S, G528S.
Identifiers: ClinVar variation 1918017 (VCV001918017.6), dbSNP rs542028709, ClinGen allele CA4960252.
Genomic context (GRCh38, chr9:712,348, plus strand): 5'-CAGCCGCTTGTTTTCAGTAAGGTGGTGGAGGCAGTGGTGCAGACCAGAGACCAAATGGTC[G>A]GCAGTCACATGGACCTGGTGGACACGTGTGTTGGGACCTCCGTGGAAACAAACAGTGTAG-3'
Protein context (NP_055973.2, residues 518-538): AVVQTRDQMV[Gly528Ser]SHMDLVDTCV

ClinVar aggregate classification (germline): Uncertain significance. Review status: criteria provided, multiple submitters, no conflicts (2 of 4 stars). 2 submissions from 2 submitters: Uncertain significance (2). Last evaluated 2025-12-01.

Allele frequency attached by ClinVar (database versions not stated): TOPMed 0.00001; ExAC 0.00002; gnomAD exomes 0.00002; gnomAD 0.00003; 1000 Genomes Project 0.00020; 1000 Genomes Project 30x 0.00031.
gnomAD v4.1: 33 of 1,614,192 alleles (0.002%); highest among the groups gnomAD compares: South Asian, 0.022%; no homozygotes.

Submissions (2):

Labcorp Genetics (formerly Invitae), Labcorp
Classification: Uncertain significance. Last evaluated: 2025-12-01. Review status: criteria provided, single submitter. Criteria: Invitae Variant Classification Sherloc (09022015). Collection method: clinical testing. Allele origin: germline.
Comment: This sequence change replaces glycine, which is neutral and non-polar, with serine, which is neutral and polar, at codon 528 of the KANK1 protein (p.Gly528Ser). This variant is present in population databases (rs542028709, gnomAD 0.02%). This variant has not been reported in the literature in individuals affected with KANK1-related conditions. ClinVar contains an entry for this variant (Variation ID: 1918017). Invitae Evidence Modeling of protein sequence and biophysical properties (such as structural, functional, and spatial information, amino acid conservation, physicochemical variation, residue mobility, and thermodynamic stability) indicates that this missense variant is expected to disrupt KANK1 protein function with a positive predictive value of 80%. In summary, the available evidence is currently insufficient to determine the role of this variant in disease. Therefore, it has been classified as a Variant of Uncertain Significance.

Ambry Genetics
Classification: Uncertain significance. Last evaluated: 2023-10-05. Review status: criteria provided, single submitter. Criteria: Ambry Variant Classification Scheme 2023. Collection method: clinical testing. Allele origin: germline.